The following is an entry in ClinVar:

NM_006915.3(RP2):c.970-18A>G

Gene: RP2 (RP2 activator of ARL3 GTPase; plus strand). Cytogenetic location: Xp11.3.
Variant type: single nucleotide variant.
Coding change: c.970-18A>G on transcript NM_006915.3 (MANE Select); 18 bases into the intron before coding-DNA position 970, A replaced by G.
Molecular consequence: intron variant.
Genome position (GRCh38, 1-based): chrX:46,879,668, A>G. VCF-style: chrX-46879668-A-G. GRCh37 (hg19) VCF-style: chrX-46739103-A-G.
Identifiers: ClinVar variation 1373184 (VCV001373184.6), dbSNP rs1556328368, ClinGen allele CA2573158923.
Genomic context (GRCh38, chrX:46,879,668, plus strand): 5'-GTTCTGTGGAGAACATGGGCTTTGGCATTCTGAAGTACTTGGTACTGATTTTTTTTTTTA[A>G]TTTTCTATTTAAAATAGATGTTTGTATCTGAAAGCAAGGAGACGGCATCTGGAGATGTAG-3'

ClinVar aggregate classification (germline): Uncertain significance (1 of 4 stars; one submission).

Submission:

Labcorp Genetics (formerly Invitae), Labcorp
Classification: Uncertain significance. Last evaluated: 2021-10-16. Review status: criteria provided, single submitter. Criteria: Invitae Variant Classification Sherloc (09022015). Collection method: clinical testing. Allele origin: germline.
Comment: In summary, the available evidence is currently insufficient to determine the role of this variant in disease. Therefore, it has been classified as a Variant of Uncertain Significance. Algorithms developed to predict the effect of sequence changes on RNA splicing suggest that this variant may create or strengthen a splice site. This variant has not been reported in the literature in individuals affected with RP2-related conditions. This variant is not present in population databases (ExAC no frequency). This sequence change falls in intron 4 of the RP2 gene. It does not directly change the encoded amino acid sequence of the RP2 protein.